The following is an entry in ClinVar:

NM_000540.3(RYR1):c.725+6G>A

Gene: RYR1 (ryanodine receptor 1; plus strand). Cytogenetic location: 19q13.2.
Variant type: single nucleotide variant.
Coding change: c.725+6G>A on transcript NM_000540.3 (MANE Select); 6 bases into the intron after coding-DNA position 725, G replaced by A.
Molecular consequence: intron variant.
Genome position (GRCh38, 1-based): chr19:38,446,571, G>A. VCF-style: chr19-38446571-G-A. GRCh37 (hg19) VCF-style: chr19-38937211-G-A.
Other names: c.725+6G>A (NM_001042723.2).
Identifiers: ClinVar variation 218467 (VCV000218467.58), dbSNP rs201679831, ClinGen allele CA069403.

ClinVar aggregate classification (germline): Conflicting classifications of pathogenicity. Review status: criteria provided, conflicting classifications (1 of 4 stars). 12 submissions from 11 submitters: Uncertain significance (1); Benign (2); Likely benign (5). 4 of the submissions do not count toward it. Last evaluated 2026-09-01.

Conditions:
RYR1-related disorder. Also called: RYR1-related disorders; RYR1-related condition. Identifiers: MedGen CN239331.
Malignant hypothermia.
Malignant hyperthermia, susceptibility to, 1 (MHS1). Also called: Anesthesia related hyperthermia; Malignant hyperpyrexia; Fulminating hyperpyrexia; Pharmacogenic myopathy; RYR1-Related Malignant Hyperthermia Susceptibility; Malignant hyperthermia suceptibility 1. Identifiers: Orphanet 423, MedGen C2930980, MONDO:0007783, OMIM 145600.
Congenital multicore myopathy with external ophthalmoplegia (CMYO1B). Also called: Minicore myopathy with external ophthalmoplegia; MULTICORE MYOPATHY; Congenital myopathy 1B, autosomal recessive; Minicore myopathy; MULTIMINICORE DISEASE WITH EXTERNAL OPHTHALMOPLEGIA. Identifiers: Orphanet 598, Orphanet 98905, MedGen C1850674, MONDO:0009712, OMIM 255320, HP:0003789.

Allele frequency attached by ClinVar (database versions not stated): 1000 Genomes Project 30x 0.00047; 1000 Genomes Project 0.00060; gnomAD exomes 0.00084 and 0.00138; ESP Exome Variant Server 0.00108; gnomAD 0.00111; ExAC 0.00114; TOPMed 0.00147.
gnomAD v4.1: 1,512 of 1,613,214 alleles (0.094%); highest among the groups gnomAD compares: Middle Eastern, 0.48%; 6 homozygotes.

Submissions (12):

CeGaT Center for Human Genetics Tuebingen
Classification: Benign. Last evaluated: 2026-09-01. Review status: criteria provided, single submitter. Criteria: CeGaT Center For Human Genetics Tuebingen Variant Classification Criteria Version 2. Collection method: clinical testing. Allele origin: germline. Affected: yes. Observed: 42 variant alleles.
Comment: RYR1: BP4, BS1, BS2

Labcorp Genetics (formerly Invitae), Labcorp
Classification: Likely benign for RYR1-related disorder. Last evaluated: 2026-02-03. Review status: criteria provided, single submitter. Criteria: Invitae Variant Classification Sherloc (09022015). Collection method: clinical testing. Allele origin: germline.

Blueprint Genetics
Classification: Likely benign. Last evaluated: 2024-11-27. Review status: criteria provided, single submitter. Criteria: ACMG Guidelines, 2015. Collection method: clinical testing. Allele origin: germline.

Color Diagnostics, LLC DBA Color Health
Classification: Likely benign for Malignant hyperthermia, susceptibility to, 1. Last evaluated: 2019-03-28. Review status: criteria provided, single submitter. Criteria: ACMG Guidelines, 2015. Collection method: clinical testing. Allele origin: germline.

GeneDx
Classification: Benign. Last evaluated: 2018-05-11. Review status: criteria provided, single submitter. Criteria: GeneDx Variant Classification Process June 2021. Collection method: clinical testing. Allele origin: germline. Affected: yes.

Illumina Laboratory Services, Illumina
Classification: Likely benign for Malignant hyperthermia, susceptibility to, 1. Last evaluated: 2017-04-27. Review status: criteria provided, single submitter. Criteria: ICSL Variant Classification Criteria 13 December 2019. Collection method: clinical testing. Allele origin: germline.
Comment: This variant was observed as part of a predisposition screen in an ostensibly healthy population. A literature search was performed for the gene, cDNA change, and amino acid change (where applicable). No publications were found based on this search. Allele frequency data from public databases allowed determination this variant is unlikely to cause disease. Therefore, this variant is classified as likely benign.

Illumina Laboratory Services, Illumina
Classification: Likely benign for Congenital multicore myopathy with external ophthalmoplegia. Last evaluated: 2017-04-27. Review status: criteria provided, single submitter. Criteria: ICSL Variant Classification Criteria 13 December 2019. Collection method: clinical testing. Allele origin: germline.
Comment: the same text as in the submission from Illumina Laboratory Services, Illumina above.

Genomic Diagnostic Laboratory, Division of Genomic Diagnostics, Children's Hospital of Philadelphia
Classification: Uncertain significance for Malignant hypothermia. Last evaluated: 2015-04-17. Review status: criteria provided, single submitter. Criteria: DGD Variant Analysis Guidelines. Collection method: clinical testing. Allele origin: unknown.

PreventionGenetics, part of Exact Sciences
Classification: Benign for RYR1-related condition. Last evaluated: 2020-02-12. Review status: no assertion criteria provided. Collection method: clinical testing. Allele origin: germline. Not counted in ClinVar's aggregate classification.
Comment: This variant is classified as benign based on ACMG/AMP sequence variant interpretation guidelines (Richards et al. 2015 PMID: 25741868, with internal and published modifications).

Clinical Genetics DNA and cytogenetics Diagnostics Lab, Erasmus MC, Erasmus Medical Center
Classification: Likely benign. Review status: no assertion criteria provided. Collection method: clinical testing. Allele origin: germline. Affected: yes. Study: VKGL Data-share Consensus. Not counted in ClinVar's aggregate classification.

Genome Diagnostics Laboratory, University Medical Center Utrecht
Classification: Benign. Review status: no assertion criteria provided. Collection method: clinical testing. Allele origin: germline. Affected: yes. Study: VKGL Data-share Consensus. Not counted in ClinVar's aggregate classification.

Laboratory of Diagnostic Genome Analysis, Leiden University Medical Center (LUMC)
Classification: Likely benign. Review status: no assertion criteria provided. Collection method: clinical testing. Allele origin: germline. Affected: yes. Study: VKGL Data-share Consensus. Not counted in ClinVar's aggregate classification.